The following is an entry in ClinVar:

NM_177438.3(DICER1):c.1534G>A (p.Glu512Lys)

Gene: DICER1 (dicer 1, ribonuclease III; minus strand). Cytogenetic location: 14q32.13.
Variant type: single nucleotide variant.
Coding change: c.1534G>A on transcript NM_177438.3 (MANE Select); coding-DNA position 1534, G replaced by A.
Protein change: p.Glu512Lys; replaces glutamic acid 512 with lysine.
Molecular consequence: missense variant. On other transcripts: non-coding transcript variant (6), intron variant (1).
Genome position (GRCh38, 1-based): chr14:95,116,671, C>T on the plus strand (G>A on the coding strand, the complement: DICER1 is on the minus strand). VCF-style: chr14-95116671-C-T. GRCh37 (hg19) VCF-style: chr14-95583008-C-T.
Other names: c.1534G>A, p.Glu512Lys (NM_001195573.1, NM_001271282.3, NM_001291628.2 and 12 more transcripts); c.1252G>A, p.Glu418Lys (NM_001395686.1); c.1129G>A, p.Glu377Lys (NM_001395687.1, NM_001395688.1, NM_001395689.1 and 3 more transcripts); c.967G>A, p.Glu323Lys (NM_001395691.1); c.-59-91G>A (NM_001395697.1); short protein forms E418K, E323K, E377K, E512K.
Identifiers: ClinVar variation 3501912 (VCV003501912.1).

ClinVar aggregate classification (germline): Uncertain significance (1 of 4 stars; one submission).

Conditions:
Hereditary cancer-predisposing syndrome. Also called: Tumor predisposition; Neoplastic Syndromes, Hereditary; Hereditary Cancer Syndrome; Hereditary neoplastic syndrome. Identifiers: Orphanet 140162, MedGen C0027672, MeSH D009386, MONDO:0015356.

Submission:

Ambry Genetics
Classification: Uncertain significance for Hereditary cancer-predisposing syndrome. Last evaluated: 2024-09-30. Review status: criteria provided, single submitter. Criteria: Ambry Variant Classification Scheme 2023. Collection method: clinical testing. Allele origin: germline.
Comment: The p.E512K variant (also known as c.1534G>A), located in coding exon 9 of the DICER1 gene, results from a G to A substitution at nucleotide position 1534. The glutamic acid at codon 512 is replaced by lysine, an amino acid with similar properties. This amino acid position is conserved. In addition, this alteration is predicted to be deleterious by in silico analysis. Based on the available evidence, the clinical significance of this variant remains unclear.